The following is an entry in ClinVar:

ClinVar aggregate classification (germline): Uncertain significance (1 of 4 stars; one submission).

Conditions:
Microcephaly 18, primary, autosomal dominant (MCPH18). Identifiers: MedGen C4479608, MONDO:0054593, OMIM 617520.

Submission:

Baylor Genetics
Classification: Uncertain significance for Microcephaly 18, primary, autosomal dominant. Last evaluated: 2020-11-13. Review status: criteria provided, single submitter. Criteria: ACMG Guidelines, 2015. Collection method: clinical testing. Allele origin: unknown. Affected: yes.
Comment: This variant was determined to be of uncertain significance according to ACMG Guidelines, 2015 [PMID:25741868].

NM_014991.6(WDFY3):c.1150T>G (p.Phe384Val)

Gene: WDFY3 (WD repeat and FYVE domain containing 3; minus strand). Cytogenetic location: 4q21.23.
Variant type: single nucleotide variant.
Coding change: c.1150T>G on transcript NM_014991.6 (MANE Select); coding-DNA position 1150, T replaced by G.
Protein change: p.Phe384Val; replaces phenylalanine 384 with valine.
Molecular consequence: missense variant.
Genome position (GRCh38, 1-based): chr4:84,821,525, A>C on the plus strand (T>G on the coding strand, the complement: WDFY3 is on the minus strand). VCF-style: chr4-84821525-A-C. GRCh37 (hg19) VCF-style: chr4-85742678-A-C.
Other names: short protein forms F384V.
Identifiers: ClinVar variation 1027919 (VCV001027919.1), dbSNP rs1754056228, ClinGen allele CA357572680.
Genomic context (GRCh38, chr4:84,821,525, plus strand): 5'-GGATGATTTGGGCAAGGAAGCTGGTTTTTGCTTTTAAAAATGCATTCTGAAGAACTGCAA[A>C]GGCCTGGACGTTTCTCACACTGTGACCTAGAACAGAAAAGAAAAACATAAAAGTAGGTAC-3'
Protein context (NP_055806.2, residues 374-394): KGHSVRNVQA[Phe384Val]AVLQNAFLKA